The following is an entry in ClinVar:

NM_001264.5(CDSN):c.464C>T (p.Ser155Leu)

Genes: CDSN (corneodesmosin; minus strand), PSORS1C1 (psoriasis susceptibility 1 candidate 1; plus strand). Cytogenetic location: 6p21.33.
Variant type: single nucleotide variant.
Coding change: c.464C>T on transcript NM_001264.5 (MANE Select); coding-DNA position 464, C replaced by T.
Protein change: p.Ser155Leu; replaces serine 155 with leucine.
Molecular consequence: missense variant. On other transcripts: intron variant (1).
Genome position (GRCh38, 1-based): chr6:31,117,151, G>A on the plus strand (C>T on the coding strand, the complement: CDSN is on the minus strand). VCF-style: chr6-31117151-G-A. GRCh37 (hg19) VCF-style: chr6-31084928-G-A.
Other names: c.-229+2260G>A (NM_014068.3); short protein forms S155L.
Identifiers: ClinVar variation 4985651 (VCV004985651.1).

ClinVar aggregate classification (germline): Uncertain significance (1 of 4 stars; one submission).

Conditions:
CDSN-related disorder. Also called: CDSN-related condition.

gnomAD v4.1: 32 of 1,607,120 alleles (0.002%); highest among the groups gnomAD compares: Middle Eastern, 0.016%; no homozygotes.

Submission:

PreventionGenetics, part of Exact Sciences
Classification: Uncertain significance for CDSN-related condition. Last evaluated: 2025-07-27. Review status: criteria provided, single submitter. Criteria: ACMG Guidelines, 2015. Collection method: clinical testing. Allele origin: germline.
Comment: The CDSN c.464C>T variant is predicted to result in the amino acid substitution p.Ser155Leu. To our knowledge, this variant has not been reported in the literature. This variant is reported in 0.0041% of alleles in individuals of African descent in gnomAD. At this time, the clinical significance of this variant is uncertain due to the absence of conclusive functional and genetic evidence.